The following is an entry in ClinVar:

ClinVar aggregate classification (germline): Likely benign (1 of 4 stars; one submission).

gnomAD v4.1: 36 of 1,433,216 alleles (0.0025%); highest among the groups gnomAD compares: Admixed American, 0.0037%; no homozygotes.

Submission:

CeGaT Center for Human Genetics Tuebingen
Classification: Likely benign. Last evaluated: 2023-05-01. Review status: criteria provided, single submitter. Criteria: CeGaT Center For Human Genetics Tuebingen Variant Classification Criteria Version 2. Collection method: clinical testing. Allele origin: germline. Affected: yes. Observed: 1 variant allele.
Comment: FOXD3: BP4, BP7

NM_012183.3(FOXD3):c.1080C>G (p.Ala360=)

Genes: FOXD3 (forkhead box D3; plus strand), FOXD3-AS1 (FOXD3 antisense RNA 1; minus strand). Cytogenetic location: 1p31.3.
Variant type: single nucleotide variant.
Coding change: c.1080C>G on transcript NM_012183.3 (MANE Select); coding-DNA position 1080, C replaced by G.
Protein change: p.Ala360=; no amino-acid change (alanine 360 retained).
Molecular consequence: synonymous variant.
Genome position (GRCh38, 1-based): chr1:63,324,138, C>G. VCF-style: chr1-63324138-C-G. GRCh37 (hg19) VCF-style: chr1-63789809-C-G.
Identifiers: ClinVar variation 2638868 (VCV002638868.24), dbSNP rs964811583, ClinGen allele CA23761152.